The following is an entry in ClinVar:

NM_001039141.3(TRIOBP):c.6272G>C (p.Ser2091Thr)

Gene: TRIOBP (TRIO and F-actin binding protein; plus strand). Cytogenetic location: 22q13.1.
Variant type: single nucleotide variant.
Coding change: c.6272G>C on transcript NM_001039141.3 (MANE Select); coding-DNA position 6272, G replaced by C.
Protein change: p.Ser2091Thr; replaces serine 2091 with threonine.
Molecular consequence: missense variant.
Genome position (GRCh38, 1-based): chr22:37,759,212, G>C. VCF-style: chr22-37759212-G-C. GRCh37 (hg19) VCF-style: chr22-38155219-G-C.
Other names: c.1133G>C, p.Ser378Thr (NM_007032.5, NM_138632.2); short protein forms S2091T, S378T.
Identifiers: ClinVar variation 43865 (VCV000043865.25), dbSNP rs78758968, ClinGen allele CA133052.

ClinVar aggregate classification (germline): Benign/Likely benign. Review status: criteria provided, multiple submitters, no conflicts (2 of 4 stars). 6 submissions from 6 submitters: Benign (5); Likely benign (1). Last evaluated 2025-10-01.

Allele frequency attached by ClinVar (database versions not stated): ExAC 0.00107; 1000 Genomes Project 0.00419; ESP Exome Variant Server 0.00447; TOPMed 0.00466; 1000 Genomes Project 30x 0.00531.
gnomAD v4.1: 1,247 of 1,613,080 alleles (0.077%); highest among the groups gnomAD compares: African/African-American, 1.5%; 14 homozygotes.

Submissions (6):

Labcorp Genetics (formerly Invitae), Labcorp
Classification: Benign. Last evaluated: 2025-10-01. Review status: criteria provided, single submitter. Criteria: Invitae Variant Classification Sherloc (09022015). Collection method: clinical testing. Allele origin: germline.

CeGaT Center for Human Genetics Tuebingen
Classification: Benign. Last evaluated: 2025-09-01. Review status: criteria provided, single submitter. Criteria: CeGaT Center For Human Genetics Tuebingen Variant Classification Criteria Version 2. Collection method: clinical testing. Allele origin: germline. Affected: yes. Observed: 1 variant allele.
Comment: TRIOBP: BP4, BS1, BS2

Blueprint Genetics
Classification: Likely benign. Last evaluated: 2024-11-11. Review status: criteria provided, single submitter. Criteria: ACMG Guidelines, 2015. Collection method: clinical testing. Allele origin: germline.

GeneDx
Classification: Benign. Last evaluated: 2018-07-09. Review status: criteria provided, single submitter. Criteria: GeneDx Variant Classification Process June 2021. Collection method: clinical testing. Allele origin: germline. Affected: yes.

Laboratory for Molecular Medicine, Mass General Brigham Personalized Medicine
Classification: Benign. Last evaluated: 2012-05-07. Review status: criteria provided, single submitter. Criteria: LMM Criteria. Collection method: clinical testing. Allele origin: germline. Observed: 3 variant alleles.
Comment: Ser2091Thr in Exon 17 of TRIOBP: This variant is not expected to have clinical s ignificance because it has been identified in 1.3% (50/3732) of African American chromosomes from a broad population by the NHLBI Exome Sequencing Project (dbSNP rs78758968).

Breakthrough Genomics
Classification: Benign. Review status: criteria provided, single submitter. Criteria: ACMG Guidelines, 2015. Collection method: not provided. Allele origin: germline. Inheritance: Autosomal recessive inheritance. Affected: yes.